The following is an entry in ClinVar:

NM_001244008.2(KIF1A):c.1950-4G>T

Gene: KIF1A (kinesin family member 1A; minus strand). Cytogenetic location: 2q37.3.
Variant type: single nucleotide variant.
Coding change: c.1950-4G>T on transcript NM_001244008.2 (MANE Select); 4 bases into the intron before coding-DNA position 1950, G replaced by T.
Molecular consequence: intron variant.
Genome position (GRCh38, 1-based): chr2:240,763,095, C>A on the plus strand (G>T on the coding strand, the complement: KIF1A is on the minus strand). VCF-style: chr2-240763095-C-A. GRCh37 (hg19) VCF-style: chr2-241702512-C-A.
Other names: c.1923-4G>T (NM_001379653.1, NM_001379650.1, NM_001379645.1 and 10 more transcripts); c.2025-4G>T (NM_001379635.1, NM_001330290.2, NM_001379646.1 and 2 more transcripts); c.1998-4G>T (NM_001379637.1, NM_001379648.1); c.1950-4G>T (NM_001320705.2, NM_001379638.1, NM_001330289.2).
Identifiers: ClinVar variation 1783209 (VCV001783209.2), dbSNP rs747191461, ClinGen allele CA2208233.
Genomic context (GRCh38, chr2:240,763,095, plus strand): 5'-AGCAGGTAGGTGGCCTCCTCCCGCTCGCGGCGGTACTGGTCCTCCAGTTCCTGGAGCCTG[C>A]AAGGGGGCATTGGGGTGAGCACGGGAGGGCAGGAGGGGCAGCAGGCAGTTGGGGGTGGCC-3'

ClinVar aggregate classification (germline): Uncertain significance (1 of 4 stars; one submission).

Conditions:
Inborn genetic diseases. Identifiers: MedGen C0950123, MeSH D030342.

Allele frequency attached by ClinVar (database versions not stated): ExAC 0.00001; TOPMed 0.00001.

Submission:

Ambry Genetics
Classification: Uncertain significance for Inborn genetic diseases. Last evaluated: 2021-09-03. Review status: criteria provided, single submitter. Criteria: Ambry Variant Classification Scheme 2023. Collection method: clinical testing. Allele origin: germline.
Comment: The c.1950-4G>T intronic variant results from a G to T substitution 4 nucleotides upstream from coding exon 21 in the KIF1A gene. This nucleotide position is not well conserved in available vertebrate species. In silico splice site analysis predicts that this alteration will not have any significant effect on splicing. Since supporting evidence is limited at this time, the clinical significance of this alteration remains unclear.